The following is an entry in ClinVar:

ClinVar aggregate classification (germline): Uncertain significance (1 of 4 stars; one submission).

Allele frequency attached by ClinVar (database versions not stated): gnomAD exomes 0.00001.
gnomAD v4.1: 10 of 1,613,272 alleles (0.00062%); highest among the groups gnomAD compares: Non-Finnish European, 0.00085%; no homozygotes.

Submission:

Labcorp Genetics (formerly Invitae), Labcorp
Classification: Uncertain significance. Last evaluated: 2024-12-12. Review status: criteria provided, single submitter. Criteria: Invitae Variant Classification Sherloc (09022015). Collection method: clinical testing. Allele origin: germline.
Comment: This sequence change replaces arginine, which is basic and polar, with lysine, which is basic and polar, at codon 13 of the ABL1 protein (p.Arg13Lys). This variant is not present in population databases (gnomAD no frequency). This variant has not been reported in the literature in individuals affected with ABL1-related conditions. ClinVar contains an entry for this variant (Variation ID: 2803470). Invitae Evidence Modeling of protein sequence and biophysical properties (such as structural, functional, and spatial information, amino acid conservation, physicochemical variation, residue mobility, and thermodynamic stability) indicates that this missense variant is not expected to disrupt ABL1 protein function with a negative predictive value of 95%. In summary, the available evidence is currently insufficient to determine the role of this variant in disease. Therefore, it has been classified as a Variant of Uncertain Significance.

NM_007313.3(ABL1):c.38G>A (p.Arg13Lys)

Genes: ABL1 (ABL proto-oncogene 1, non-receptor tyrosine kinase; plus strand), LOC107980440 (ABL breakpoint recombination region; plus strand). Cytogenetic location: 9q34.12.
Variant type: single nucleotide variant.
Coding change: c.38G>A on transcript NM_007313.3; coding-DNA position 38, G replaced by A.
Protein change: p.Arg13Lys; replaces arginine 13 with lysine.
Molecular consequence: missense variant.
Genome position (GRCh38, 1-based): chr9:130,714,357, G>A. VCF-style: chr9-130714357-G-A. GRCh37 (hg19) VCF-style: chr9-133589744-G-A.
Other names: short protein forms R13K.
Identifiers: ClinVar variation 2803470 (VCV002803470.3), dbSNP rs2490826564, ClinGen allele CA375248731.